The following is an entry in ClinVar:

ClinVar aggregate classification (germline): Uncertain significance (1 of 4 stars; one submission).

Submission:

CeGaT Center for Human Genetics Tuebingen
Classification: Uncertain significance. Last evaluated: 2023-07-01. Review status: criteria provided, single submitter. Criteria: CeGaT Center For Human Genetics Tuebingen Variant Classification Criteria Version 2. Collection method: clinical testing. Allele origin: germline. Affected: yes. Observed: 1 variant allele.
Comment: MAGEL2: PM2

NM_019066.5(MAGEL2):c.1908G>C (p.Gln636His)

Gene: MAGEL2 (MAGE family member L2; minus strand). Cytogenetic location: 15q11.2.
Variant type: single nucleotide variant.
Coding change: c.1908G>C on transcript NM_019066.5 (MANE Select); coding-DNA position 1908, G replaced by C.
Protein change: p.Gln636His; replaces glutamine 636 with histidine.
Molecular consequence: missense variant.
Genome position (GRCh38, 1-based): chr15:23,645,835, C>G on the plus strand (G>C on the coding strand, the complement: MAGEL2 is on the minus strand). VCF-style: chr15-23645835-C-G. GRCh37 (hg19) VCF-style: chr15-23890982-C-G.
Other names: short protein forms Q636H.
Identifiers: ClinVar variation 2644988 (VCV002644988.24), dbSNP rs754144643, ClinGen allele CA7430004.